The following is an entry in ClinVar:

NM_001244008.2(KIF1A):c.2837C>G (p.Pro946Arg)

Gene: KIF1A (kinesin family member 1A; minus strand). Cytogenetic location: 2q37.3.
Variant type: single nucleotide variant.
Coding change: c.2837C>G on transcript NM_001244008.2 (MANE Select); coding-DNA position 2837, C replaced by G.
Protein change: p.Pro946Arg; replaces proline 946 with arginine.
Molecular consequence: missense variant. On other transcripts: intron variant (18).
Genome position (GRCh38, 1-based): chr2:240,757,340, G>C on the plus strand (C>G on the coding strand, the complement: KIF1A is on the minus strand). VCF-style: chr2-240757340-G-C. GRCh37 (hg19) VCF-style: chr2-241696757-G-C.
Other names: c.2912C>G, p.Pro971Arg (NM_001379631.1); c.2786C>G, p.Pro929Arg (NM_001379632.1); c.2810C>G, p.Pro937Arg (NM_001379633.1, NM_001379642.1, NM_001379645.1); c.2555+1020C>G (NM_001379653.1, NM_001379650.1, NM_001379640.1 and 6 more transcripts); c.2657+1020C>G (NM_001379635.1, NM_001330290.2, NM_001379646.1 and 1 more transcripts); c.2630+1020C>G (NM_001379637.1, NM_001379648.1); c.2582+1020C>G (NM_001320705.2, NM_001379638.1, NM_001330289.2); short protein forms P929R, P937R, P946R, P971R.
Identifiers: ClinVar variation 4848099 (VCV004848099.1).

ClinVar aggregate classification (germline): Uncertain significance (1 of 4 stars; one submission).

gnomAD v4.1: 30 of 1,550,706 alleles (0.0019%); highest among the groups gnomAD compares: South Asian, 0.033%; no homozygotes.

Submission:

Women's Health and Genetics/Laboratory Corporation of America, LabCorp
Classification: Uncertain significance. Last evaluated: 2026-02-24. Review status: criteria provided, single submitter. Criteria: LabCorp Variant Classification Summary - May 2015. Collection method: clinical testing. Allele origin: germline.
Comment: Variant summary: KIF1A NM_001244008.2 c.2837C>G (p.Pro946Arg) results in a non-conservative amino acid change in the encoded protein sequence. Algorithms developed to predict the effect of missense changes on protein structure and function all suggest that this variant is likely to be disruptive. This variant is also annotated as KIF1A NM_004321.8 c.2555+1020C>G where it is located at a position not widely known to affect splicing. Consensus agreement among computation tools predict no significant impact on normal splicing. However, these predictions have yet to be confirmed by functional studies. The variant allele was found at a frequency of 7.4e-05 in 149424 control chromosomes. This frequency is not significantly higher than estimated for disease-causing variants in KIF1A, allowing no conclusion about variant significance. To our knowledge, no occurrence of this variant in individuals affected with KIF1A-related conditions and no experimental evidence demonstrating its impact on protein function have been reported. No submitters have cited clinical-significance assessments for this variant to ClinVar. Based on the evidence outlined above, the variant was classified as uncertain significance.